The following is an entry in ClinVar:

ClinVar aggregate classification (germline): Uncertain significance (1 of 4 stars; one submission).

Conditions:
Long QT syndrome (LQTS). Identifiers: MedGen C0023976, MeSH D008133, MONDO:0002442. Disease mechanism: loss of function. Inheritance: Various modes of inheritance.

Allele frequency attached by ClinVar (database versions not stated): TOPMed below 0.00001.

Submission:

Labcorp Genetics (formerly Invitae), Labcorp
Classification: Uncertain significance for Long QT syndrome. Last evaluated: 2023-12-06. Review status: criteria provided, single submitter. Criteria: Invitae Variant Classification Sherloc (09022015). Collection method: clinical testing. Allele origin: germline.
Comment: This sequence change falls in intron 29 of the CACNA1C gene. It does not directly change the encoded amino acid sequence of the CACNA1C protein. It affects a nucleotide within the consensus splice site. This variant is not present in population databases (gnomAD no frequency). This variant has not been reported in the literature in individuals affected with CACNA1C-related conditions. ClinVar contains an entry for this variant (Variation ID: 1006364). Variants that disrupt the consensus splice site are a relatively common cause of aberrant splicing (PMID: 17576681, 9536098). Algorithms developed to predict the effect of sequence changes on RNA splicing suggest that this variant is not likely to affect RNA splicing. In summary, the available evidence is currently insufficient to determine the role of this variant in disease. Therefore, it has been classified as a Variant of Uncertain Significance.

Literature cited by the submitters: PubMed 17576681; PubMed 9536098.

NM_000719.7(CACNA1C):c.3828+5G>T

Gene: CACNA1C (calcium voltage-gated channel subunit alpha1 C; plus strand). Cytogenetic location: 12p13.33.
Variant type: single nucleotide variant.
Coding change: c.3828+5G>T on transcript NM_000719.7 (MANE Select); 5 bases into the intron after coding-DNA position 3828, G replaced by T.
Molecular consequence: intron variant.
Genome position (GRCh38, 1-based): chr12:2,612,018, G>T. VCF-style: chr12-2612018-G-T. GRCh37 (hg19) VCF-style: chr12-2721184-G-T.
Other names: c.3828+5G>T (NM_001167624.3, NM_001167623.2, NM_001167625.2 and 15 more transcripts); c.3888+5G>T (NM_199460.4, NM_001129827.2, NM_001129832.2); c.3819+5G>T (NM_001129844.2).
Identifiers: ClinVar variation 1006364 (VCV001006364.7), dbSNP rs2078046814, ClinGen allele CA383377498.
Genomic context (GRCh38, chr12:2,612,018, plus strand): 5'-TCACTGGCCTCTTCACCGTGGAGATGATCCTGAAGCTCATTGCCTTCAAACCCAAGGTAG[G>T]CCTCTGAGAAAGACCTTTGATTCCCAGGCATCAGGGGTGGACAGAACGGGGAGGTGGGGT-3'